The following is an entry in ClinVar:

NM_014639.4(SKIC3):c.1432G>A (p.Ala478Thr)

Gene: SKIC3 (SKI3 subunit of superkiller complex; minus strand). Cytogenetic location: 5q15.
Variant type: single nucleotide variant.
Coding change: c.1432G>A on transcript NM_014639.4 (MANE Select); coding-DNA position 1432, G replaced by A.
Protein change: p.Ala478Thr; replaces alanine 478 with threonine.
Molecular consequence: missense variant.
Genome position (GRCh38, 1-based): chr5:95,524,485, C>T on the plus strand (G>A on the coding strand, the complement: SKIC3 is on the minus strand). VCF-style: chr5-95524485-C-T. GRCh37 (hg19) VCF-style: chr5-94860189-C-T.
Other names: short protein forms A478T.
Identifiers: ClinVar variation 1930671 (VCV001930671.3), dbSNP rs1054718145, ClinGen allele CA360464289.

ClinVar aggregate classification (germline): Uncertain significance (1 of 4 stars; one submission).

Allele frequency attached by ClinVar (database versions not stated): gnomAD exomes below 0.00001.
gnomAD v4.1: 1 of 1,613,318 alleles (0.000062%); highest among the groups gnomAD compares: Non-Finnish European, 0.000085%; no homozygotes.

Submission:

Labcorp Genetics (formerly Invitae), Labcorp
Classification: Uncertain significance. Last evaluated: 2023-12-06. Review status: criteria provided, single submitter. Criteria: Invitae Variant Classification Sherloc (09022015). Collection method: clinical testing. Allele origin: germline.
Comment: This sequence change replaces alanine, which is neutral and non-polar, with threonine, which is neutral and polar, at codon 478 of the TTC37 protein (p.Ala478Thr). This variant is not present in population databases (gnomAD no frequency). This variant has not been reported in the literature in individuals affected with TTC37-related conditions. ClinVar contains an entry for this variant (Variation ID: 1930671). Algorithms developed to predict the effect of missense changes on protein structure and function output the following: SIFT: "Not Available"; PolyPhen-2: "Benign"; Align-GVGD: "Not Available". The threonine amino acid residue is found in multiple mammalian species, which suggests that this missense change does not adversely affect protein function. In summary, the available evidence is currently insufficient to determine the role of this variant in disease. Therefore, it has been classified as a Variant of Uncertain Significance.